The following is an entry in ClinVar:

NM_173689.7(CRB2):c.2446T>C (p.Cys816Arg)

Gene: CRB2 (crumbs cell polarity complex component 2; plus strand). Cytogenetic location: 9q33.3.
Variant type: single nucleotide variant.
Coding change: c.2446T>C on transcript NM_173689.7 (MANE Select); coding-DNA position 2446, T replaced by C.
Protein change: p.Cys816Arg; replaces cysteine 816 with arginine.
Molecular consequence: missense variant. On other transcripts: non-coding transcript variant (1).
Genome position (GRCh38, 1-based): chr9:123,372,186, T>C. VCF-style: chr9-123372186-T-C. GRCh37 (hg19) VCF-style: chr9-126134465-T-C.
Other names: short protein forms C816R.
Identifiers: ClinVar variation 1700996 (VCV001700996.2), dbSNP rs1251795917, ClinGen allele CA374866401.

ClinVar aggregate classification (germline): Uncertain significance (1 of 4 stars; one submission).

Submission:

GeneDx
Classification: Uncertain significance. Last evaluated: 2022-02-04. Review status: criteria provided, single submitter. Criteria: GeneDx Variant Classification Process June 2021. Collection method: clinical testing. Allele origin: germline. Affected: yes.
Comment: Not observed at significant frequency in large population cohorts (gnomAD); In silico analysis supports that this missense variant has a deleterious effect on protein structure/function; Has not been previously published as pathogenic or benign to our knowledge